The following is an entry in ClinVar:

ClinVar aggregate classification (germline): Uncertain significance (1 of 4 stars; one submission).

Conditions:
Deficiency of aromatic-L-amino-acid decarboxylase. Also called: AADC DEFICIENCY; DDC DEFICIENCY; DOPA DECARBOXYLASE DEFICIENCY; Aromatic L-Amino Acid Decarboxylase Deficiency; Aromatic amino acid decarboxylase deficiency. Identifiers: Orphanet 35708, MedGen C1291564, MONDO:0012084, OMIM 608643.

Allele frequency attached by ClinVar (database versions not stated): gnomAD 0.00001; gnomAD exomes 0.00001; ExAC 0.00002.
gnomAD v4.1: 12 of 1,613,964 alleles (0.00074%); highest among the groups gnomAD compares: Non-Finnish European, 0.001%; no homozygotes.

Submission:

Labcorp Genetics (formerly Invitae), Labcorp
Classification: Uncertain significance for Deficiency of aromatic-L-amino-acid decarboxylase. Last evaluated: 2022-09-27. Review status: criteria provided, single submitter. Criteria: Invitae Variant Classification Sherloc (09022015). Collection method: clinical testing. Allele origin: germline.
Comment: This sequence change replaces leucine, which is neutral and non-polar, with valine, which is neutral and non-polar, at codon 90 of the DDC protein (p.Leu90Val). This variant is present in population databases (rs771493217, gnomAD 0.003%). This variant has not been reported in the literature in individuals affected with DDC-related conditions. ClinVar contains an entry for this variant (Variation ID: 1356946). Advanced modeling of protein sequence and biophysical properties (such as structural, functional, and spatial information, amino acid conservation, physicochemical variation, residue mobility, and thermodynamic stability) performed at Invitae indicates that this missense variant is not expected to disrupt DDC protein function. In summary, the available evidence is currently insufficient to determine the role of this variant in disease. Therefore, it has been classified as a Variant of Uncertain Significance.

NM_001082971.2(DDC):c.268C>G (p.Leu90Val)

Genes: DDC (dopa decarboxylase; minus strand), DDC-AS1 (DDC antisense RNA 1; plus strand). Cytogenetic location: 7p12.1.
Variant type: single nucleotide variant.
Coding change: c.268C>G on transcript NM_001082971.2 (MANE Select); coding-DNA position 268, C replaced by G.
Protein change: p.Leu90Val; replaces leucine 90 with valine.
Molecular consequence: missense variant. On other transcripts: non-coding transcript variant (1), intron variant (2).
Genome position (GRCh38, 1-based): chr7:50,539,962, G>C on the plus strand (C>G on the coding strand, the complement: DDC is on the minus strand). VCF-style: chr7-50539962-G-C. GRCh37 (hg19) VCF-style: chr7-50607660-G-C.
Other names: c.268C>G, p.Leu90Val (NM_000790.4, NM_001242887.2, NM_001242889.2 and 1 more transcripts); c.201+3923C>G (NM_001242888.2); c.202-1983C>G (NM_001242886.2); short protein forms L90V.
Identifiers: ClinVar variation 1356946 (VCV001356946.5), dbSNP rs771493217, ClinGen allele CA4262430.